The following is an entry in ClinVar:

NC_000006.11:g.(?_24532327)_(24533940_?)del

Gene: ALDH5A1 (aldehyde dehydrogenase 5 family member A1; plus strand). Cytogenetic location: 6p22.3.
Variant type: Deletion.
Identifiers: ClinVar variation 1358625 (VCV001358625.4).

ClinVar aggregate classification (germline): Pathogenic (1 of 4 stars; one submission).

Conditions:
Succinate-semialdehyde dehydrogenase deficiency (SSADHD). Also called: SSADH DEFICIENCY; 4-HYDROXYBUTYRIC ACIDURIA; GABA METABOLIC DEFECT; Succinic Semialdehyde Dehydrogenase Deficiency. Identifiers: Orphanet 22, MedGen C0268631, MONDO:0010083, OMIM 271980.

Submission:

Labcorp Genetics (formerly Invitae), Labcorp
Classification: Pathogenic for Succinate-semialdehyde dehydrogenase deficiency. Last evaluated: 2021-12-02. Review status: criteria provided, single submitter. Criteria: Invitae Variant Classification Sherloc (09022015). Collection method: clinical testing. Allele origin: germline.
Comment: For these reasons, this variant has been classified as Pathogenic. This variant disrupts a region of the ALDH5A1 protein in which other variant(s) (p.Arg514*) have been determined to be pathogenic (PMID: 14635103). This suggests that this is a clinically significant region of the protein, and that variants that disrupt it are likely to be disease-causing. This variant has not been reported in the literature in individuals affected with ALDH5A1-related conditions. This variant is a gross deletion of the genomic region encompassing exon(s) 9-10 of the ALDH5A1 gene, which includes the termination codon. This deletion extends beyond the assayed region for this gene and therefore may encompass additional genes. While this deletion is not anticipated to lead to nonsense mediated decay, it is expected to alter mRNA translation or result in a truncated protein product.

Literature cited by the submitters: PubMed 14635103.